The following is an entry in ClinVar:

NM_006831.3(CLP1):c.1165G>A (p.Val389Met)

Gene: CLP1 (cleavage factor polyribonucleotide kinase subunit 1; plus strand). Cytogenetic location: 11q12.1.
Variant type: single nucleotide variant.
Coding change: c.1165G>A on transcript NM_006831.3 (MANE Select); coding-DNA position 1165, G replaced by A.
Protein change: p.Val389Met; replaces valine 389 with methionine.
Molecular consequence: missense variant.
Genome position (GRCh38, 1-based): chr11:57,661,323, G>A. VCF-style: chr11-57661323-G-A. GRCh37 (hg19) VCF-style: chr11-57428795-G-A.
Other names: c.973G>A, p.Val325Met (NM_001142597.2); short protein forms V325M, V389M.
Identifiers: ClinVar variation 2122022 (VCV002122022.4), dbSNP rs2495520888, ClinGen allele CA380700564.

ClinVar aggregate classification (germline): Uncertain significance (1 of 4 stars; one submission).

Submission:

Labcorp Genetics (formerly Invitae), Labcorp
Classification: Uncertain significance. Last evaluated: 2025-11-03. Review status: criteria provided, single submitter. Criteria: Invitae Variant Classification Sherloc (09022015). Collection method: clinical testing. Allele origin: germline.
Comment: This sequence change replaces valine, which is neutral and non-polar, with methionine, which is neutral and non-polar, at codon 389 of the CLP1 protein (p.Val389Met). This variant is not present in population databases (gnomAD no frequency). This variant has not been reported in the literature in individuals affected with CLP1-related conditions. ClinVar contains an entry for this variant (Variation ID: 2122022). Invitae Evidence Modeling of protein sequence and biophysical properties (such as structural, functional, and spatial information, amino acid conservation, physicochemical variation, residue mobility, and thermodynamic stability) has been performed for this missense variant. However, the output from this modeling did not meet the statistical confidence thresholds required to predict the impact of this variant on CLP1 protein function. In summary, the available evidence is currently insufficient to determine the role of this variant in disease. Therefore, it has been classified as a Variant of Uncertain Significance.